The following is an entry in ClinVar:

NM_003002.4(SDHD):c.281C>A (p.Ser94Tyr)

Gene: SDHD (succinate dehydrogenase complex subunit D; plus strand). Cytogenetic location: 11q23.1.
Variant type: single nucleotide variant.
Coding change: c.281C>A on transcript NM_003002.4 (MANE Select); coding-DNA position 281, C replaced by A.
Protein change: p.Ser94Tyr; replaces serine 94 with tyrosine.
Molecular consequence: missense variant. On other transcripts: non-coding transcript variant (1), intron variant (1).
Genome position (GRCh38, 1-based): chr11:112,088,978, C>A. VCF-style: chr11-112088978-C-A. GRCh37 (hg19) VCF-style: chr11-111959702-C-A.
Other names: c.164C>A, p.Ser55Tyr (NM_001276504.2); c.281C>A, p.Ser94Tyr (NM_001276506.2); c.169+1005C>A (NM_001276503.2); short protein forms S55Y, S94Y.
Identifiers: ClinVar variation 3757567 (VCV003757567.2).

ClinVar aggregate classification (germline): Uncertain significance (1 of 4 stars; one submission).

Conditions:
Pheochromocytoma. Also called: MAX-Related Hereditary Paraganglioma-Pheochromocytoma Syndrome. Identifiers: Orphanet 29072, MedGen C0031511, MONDO:0008233, OMIM 171300, HP:0002666.
Carney-Stratakis syndrome. Also called: PARAGANGLIOMA AND GASTROINTESTINAL STROMAL TUMOR. Identifiers: Orphanet 97286, MedGen C1847319, MONDO:0011740, OMIM 606864.
Paragangliomas with sensorineural hearing loss. Identifiers: MedGen C1868633.
Cowden syndrome 3 (CWS3). Identifiers: Orphanet 201, MedGen CN166604, MONDO:0014045.

gnomAD v4.1: 1 of 1,614,150 alleles (0.000062%); highest among the groups gnomAD compares: Non-Finnish European, 0.000085%; no homozygotes.

Submission:

Labcorp Genetics (formerly Invitae), Labcorp
Classification: Uncertain significance for Carney-Stratakis syndrome; Paragangliomas with sensorineural hearing loss; Pheochromocytoma; Cowden syndrome 3. Last evaluated: 2024-08-07. Review status: criteria provided, single submitter. Criteria: Invitae Variant Classification Sherloc (09022015). Collection method: clinical testing. Allele origin: germline.
Comment: This sequence change replaces serine, which is neutral and polar, with tyrosine, which is neutral and polar, at codon 94 of the SDHD protein (p.Ser94Tyr). This variant is not present in population databases (gnomAD no frequency). This variant has not been reported in the literature in individuals affected with SDHD-related conditions. Advanced modeling of protein sequence and biophysical properties (such as structural, functional, and spatial information, amino acid conservation, physicochemical variation, residue mobility, and thermodynamic stability) has been performed at Invitae for this missense variant, however the output from this modeling did not meet the statistical confidence thresholds required to predict the impact of this variant on SDHD protein function. In summary, the available evidence is currently insufficient to determine the role of this variant in disease. Therefore, it has been classified as a Variant of Uncertain Significance.